The following is an entry in ClinVar:

ClinVar aggregate classification (germline): Likely pathogenic (1 of 4 stars; one submission).

Conditions:
Neuromuscular disease caused by qualitative or quantitative defects of dysferlin. Also called: Dysferlinopathy; Qualitative or quantitative defects of dysferlin. Identifiers: Orphanet 207073, MedGen C2931687, MONDO:0016145.

Submission:

Labcorp Genetics (formerly Invitae), Labcorp
Classification: Likely pathogenic for Neuromuscular disease caused by qualitative or quantitative defects of dysferlin. Last evaluated: 2021-01-13. Review status: criteria provided, single submitter. Criteria: Invitae Variant Classification Sherloc (09022015). Collection method: clinical testing. Allele origin: germline.
Comment: In summary, the currently available evidence indicates that the variant is pathogenic, but additional data are needed to prove that conclusively. Therefore, this variant has been classified as Likely Pathogenic. This variant has not been reported in the literature in individuals with DYSF-related conditions. This variant results in a copy number gain of the genomic region encompassing exon(s) 10-17 of the DYSF gene. While the exact position of this variant cannot be determined from the data, sub-genic copy number gains are generally in tandem (PMID: 25640679). This variant is predicted to be out-of-frame, and may result in an absent or disrupted protein product. Loss-of-function variants in DYSF are known to be pathogenic (PMID: 17698709, 20301480).

Literature cited by the submitters: PubMed 25640679; PubMed 17698709; PubMed 20301480.

NC_000002.12:g.(?_71520168)_(71549401_?)dup

Gene: DYSF (dysferlin; plus strand). Cytogenetic location: 2p13.2.
Variant type: Duplication.
Identifiers: ClinVar variation 831515 (VCV000831515.3).